The following is an entry in ClinVar:

NM_006180.6(NTRK2):c.1826C>T (p.Thr609Ile)

Gene: NTRK2 (neurotrophic receptor tyrosine kinase 2; plus strand). Cytogenetic location: 9q21.33.
Variant type: single nucleotide variant.
Coding change: c.1826C>T on transcript NM_006180.6 (MANE Select); coding-DNA position 1826, C replaced by T.
Protein change: p.Thr609Ile; replaces threonine 609 with isoleucine.
Molecular consequence: missense variant.
Genome position (GRCh38, 1-based): chr9:84,948,523, C>T. VCF-style: chr9-84948523-C-T. GRCh37 (hg19) VCF-style: chr9-87563438-C-T.
Other names: c.1778C>T, p.Thr593Ile (NM_001018064.3, NM_001369532.1, NM_001369533.1); c.1742C>T, p.Thr581Ile (NM_001369534.1); c.1310C>T, p.Thr437Ile (NM_001369535.1); c.1358C>T, p.Thr453Ile (NM_001369536.1); short protein forms T437I, T453I, T581I, T593I, T609I.
Identifiers: ClinVar variation 4529980 (VCV004529980.1).

ClinVar aggregate classification (germline): Uncertain significance (1 of 4 stars; one submission).

Submission:

GeneDx
Classification: Uncertain significance. Last evaluated: 2025-05-16. Review status: criteria provided, single submitter. Criteria: GeneDx Variant Classification Process June 2021. Collection method: clinical testing. Allele origin: germline. Affected: yes.
Comment: Not observed at significant frequency in large population cohorts (gnomAD); In silico analysis supports that this missense variant has a deleterious effect on protein structure/function; Has not been previously published as pathogenic or benign to our knowledge